The following is an entry in ClinVar:

ClinVar aggregate classification (germline): Uncertain significance (1 of 4 stars; one submission).

Submission:

Labcorp Genetics (formerly Invitae), Labcorp
Classification: Uncertain significance. Last evaluated: 2025-03-04. Review status: criteria provided, single submitter. Criteria: Invitae Variant Classification Sherloc (09022015). Collection method: clinical testing. Allele origin: germline.
Comment: This sequence change replaces histidine, which is basic and polar, with glutamine, which is neutral and polar, at codon 498 of the IMPG1 protein (p.His498Gln). This variant is not present in population databases (gnomAD no frequency). This variant has not been reported in the literature in individuals affected with IMPG1-related conditions. An algorithm developed to predict the effect of missense changes on protein structure and function (PolyPhen-2) suggests that this variant is likely to be tolerated. In summary, the available evidence is currently insufficient to determine the role of this variant in disease. Therefore, it has been classified as a Variant of Uncertain Significance.

NM_001563.4(IMPG1):c.1494T>A (p.His498Gln)

Gene: IMPG1 (interphotoreceptor matrix proteoglycan 1; minus strand). Cytogenetic location: 6q14.1.
Variant type: single nucleotide variant.
Coding change: c.1494T>A on transcript NM_001563.4 (MANE Select); coding-DNA position 1494, T replaced by A.
Protein change: p.His498Gln; replaces histidine 498 with glutamine.
Molecular consequence: missense variant.
Genome position (GRCh38, 1-based): chr6:75,950,892, A>T on the plus strand (T>A on the coding strand, the complement: IMPG1 is on the minus strand). VCF-style: chr6-75950892-A-T. GRCh37 (hg19) VCF-style: chr6-76660609-A-T.
Other names: c.1260T>A, p.His420Gln (NM_001282368.2); short protein forms H498Q, H420Q.
Identifiers: ClinVar variation 4762761 (VCV004762761.1).